The following is an entry in ClinVar:

ClinVar aggregate classification (germline): Uncertain significance (1 of 4 stars; one submission).

Conditions:
Brugada syndrome 9 (BRGDA9). Identifiers: Orphanet 130, MedGen C4225340, MONDO:0014621, OMIM 616399.
Spinocerebellar ataxia type 19/22 (SCA19). Also called: SPINOCEREBELLAR ATAXIA 19; SPINOCEREBELLAR ATAXIA 22. Identifiers: Orphanet 98772, MedGen C1846367, MONDO:0011819, OMIM 607346.

Submission:

Juno Genomics, Hangzhou Juno Genomics, Inc
Classification: Uncertain significance for Brugada syndrome 9; Spinocerebellar ataxia type 19/22. Review status: criteria provided, single submitter. Criteria: ACMG Guidelines, 2015. Collection method: clinical testing. Allele origin: germline. Affected: yes.
Comment: Absent from controls (or at extremely low frequency if recessive) in Genome Aggregation Database, Exome Sequencing Project, 1000 Genomes Project, or Exome Aggregation Consortium.;Multiple lines of computational evidence support a deleterious effect on the gene or gene product (conservation, evolutionary, splicing impact, etc).;Missense variant in a gene that has a low rate of benign missense variation and where missense variants are a common mechanism of disease.

NM_001378969.1(KCND3):c.1227T>G (p.Ile409Met)

Gene: KCND3 (potassium voltage-gated channel subfamily D member 3; minus strand). Cytogenetic location: 1p13.2.
Variant type: single nucleotide variant.
Coding change: c.1227T>G on transcript NM_001378969.1 (MANE Select); coding-DNA position 1227, T replaced by G.
Protein change: p.Ile409Met; replaces isoleucine 409 with methionine.
Molecular consequence: missense variant.
Genome position (GRCh38, 1-based): chr1:111,786,986, A>C on the plus strand (T>G on the coding strand, the complement: KCND3 is on the minus strand). VCF-style: chr1-111786986-A-C. GRCh37 (hg19) VCF-style: chr1-112329608-A-C.
Other names: c.1227T>G, p.Ile409Met (NM_001378970.1, NM_004980.5, NM_172198.3); short protein forms I409M.
Identifiers: ClinVar variation 3382034 (VCV003382034.2).